The following is an entry in ClinVar:

NM_001042492.3(NF1):c.1495del (p.Lys498_Leu499insTer)

Gene: NF1 (neurofibromin 1; plus strand). Cytogenetic location: 17q11.2.
Variant type: Deletion.
Coding change: c.1495del on transcript NM_001042492.3 (MANE Select); coding-DNA position 1495, one base deleted (C; older notation c.1495delC).
Protein change: p.Lys498_Leu499insTer.
Molecular consequence: nonsense. On other transcripts: frameshift variant (1).
Genome position (GRCh38, 1-based): chr17:31,214,553, C deleted. VCF-style (leftmost placement, unchanged base first): chr17-31214552-AC-A. GRCh37 (hg19) VCF-style: chr17-29541570-AC-A.
Other names: c.1495delC, p.Leu499Terfs (NM_000267.4); c.1495del, p.Lys498_Leu499insTer (NM_001128147.3).
Identifiers: ClinVar variation 2820704 (VCV002820704.3), dbSNP rs2544829731, ClinGen allele CA2739267283.

ClinVar aggregate classification (germline): Pathogenic (1 of 4 stars; one submission).

Conditions:
Neurofibromatosis, type 1 (NF1). Also called: VON RECKLINGHAUSEN DISEASE; Peripheral type neurofibromatosis; Neurofibromatosis, type I; NEUROFIBROMATOSIS, TYPE I, SOMATIC. Identifiers: Orphanet 636, MedGen C0027831, MONDO:0018975, OMIM 162200. Disease mechanism: loss of function.

Submission:

Labcorp Genetics (formerly Invitae), Labcorp
Classification: Pathogenic for Neurofibromatosis, type 1. Last evaluated: 2022-12-14. Review status: criteria provided, single submitter. Criteria: Invitae Variant Classification Sherloc (09022015). Collection method: clinical testing. Allele origin: germline.
Comment: This sequence change creates a premature translational stop signal (p.Leu499*) in the NF1 gene. It is expected to result in an absent or disrupted protein product. Loss-of-function variants in NF1 are known to be pathogenic (PMID: 10712197, 23913538). This variant is not present in population databases (gnomAD no frequency). This variant has not been reported in the literature in individuals affected with NF1-related conditions. For these reasons, this variant has been classified as Pathogenic.

Literature cited by the submitters: PubMed 10712197; PubMed 23913538.